The following is an entry in ClinVar:

ClinVar aggregate classification (germline): Pathogenic (1 of 4 stars; one submission).

Submission:

Labcorp Genetics (formerly Invitae), Labcorp
Classification: Pathogenic. Last evaluated: 2024-03-20. Review status: criteria provided, single submitter. Criteria: Invitae Variant Classification Sherloc (09022015). Collection method: clinical testing. Allele origin: germline.
Comment: This sequence change creates a premature translational stop signal (p.Leu1149Cysfs*39) in the NEXMIF gene. It is expected to result in an absent or disrupted protein product. Loss-of-function variants in NEXMIF are known to be pathogenic (PMID: 23615299). This variant is not present in population databases (gnomAD no frequency). This variant has not been reported in the literature in individuals affected with NEXMIF-related conditions. For these reasons, this variant has been classified as Pathogenic.

Literature cited by the submitters: PubMed 23615299.

NM_001008537.3(NEXMIF):c.3445del (p.Leu1149fs)

Gene: NEXMIF (neurite extension and migration factor; minus strand). Cytogenetic location: Xq13.3.
Variant type: Deletion.
Coding change: c.3445del on transcript NM_001008537.3 (MANE Select); coding-DNA position 3445, one base deleted (C; older notation c.3445delC).
Protein change: p.Leu1149fs; shifts the reading frame from leucine 1149.
Molecular consequence: frameshift variant.
Genome position (GRCh38, 1-based): chrX:74,741,112, G deleted on the plus strand (C on the coding strand, the reverse complement: NEXMIF is on the minus strand); the first of 2 consecutive G bases (chrX:74,741,112-74,741,113); deleting either gives the same sequence. VCF-style (leftmost placement, unchanged base first): chrX-74741111-AG-A. GRCh37 (hg19) VCF-style: chrX-73960946-AG-A.
Other names: short protein forms L1149fs.
Identifiers: ClinVar variation 3646953 (VCV003646953.2).